The following is an entry in ClinVar:

NM_001282116.2(RFX3):c.215+9A>G

Gene: RFX3 (regulatory factor X3; minus strand). Cytogenetic location: 9p24.2.
Variant type: single nucleotide variant.
Coding change: c.215+9A>G on transcript NM_001282116.2 (MANE Select); 9 bases into the intron after coding-DNA position 215, A replaced by G.
Molecular consequence: intron variant.
Genome position (GRCh38, 1-based): chr9:3,346,658, T>C on the plus strand (A>G on the coding strand, the complement: RFX3 is on the minus strand). VCF-style: chr9-3346658-T-C. GRCh37 (hg19) VCF-style: chr9-3346658-T-C.
Other names: c.215+9A>G (NM_001377999.1, NM_134428.3, NM_002919.4 and 1 more transcripts).
Identifiers: ClinVar variation 3047278 (VCV003047278.2), dbSNP rs201478652, ClinGen allele CA4967515.
Genomic context (GRCh38, chr9:3,346,658, plus strand): 5'-GAGGTGTTCAAAAGTACATTATTTTTCTCTGAGTGGGGGAATTAAAAAGACTTCCACATA[T>C]AAACTTACATTGCTCCATTGGTATAGACAGTATCGCTTCCTTCCACATACTGCACCTGAG-3'

ClinVar aggregate classification (germline): Likely benign (0 of 4 stars; one submission).

Conditions:
RFX3-related disorder. Also called: RFX3-related condition.

Allele frequency attached by ClinVar (database versions not stated): ExAC 0.00015; ESP Exome Variant Server 0.00015; 1000 Genomes Project 30x 0.00062.
gnomAD v4.1: 133 of 1,571,558 alleles (0.0085%); highest among the groups gnomAD compares: African/African-American, 0.14%; no homozygotes.

Submission:

PreventionGenetics, part of Exact Sciences
Classification: Likely benign for RFX3-related condition. Last evaluated: 2022-03-21. Review status: no assertion criteria provided. Collection method: clinical testing. Allele origin: germline.
Comment: This variant is classified as likely benign based on ACMG/AMP sequence variant interpretation guidelines (Richards et al. 2015 PMID: 25741868, with internal and published modifications).